The following is an entry in ClinVar:

NM_000492.4(CFTR):c.567C>A (p.Asn189Lys)

Gene: CFTR (CF transmembrane conductance regulator; plus strand). Cytogenetic location: 7q31.2.
Variant type: single nucleotide variant.
Coding change: c.567C>A on transcript NM_000492.4 (MANE Select); coding-DNA position 567, C replaced by A.
Protein change: p.Asn189Lys; replaces asparagine 189 with lysine.
Molecular consequence: missense variant.
Genome position (GRCh38, 1-based): chr7:117,534,353, C>A. VCF-style: chr7-117534353-C-A. GRCh37 (hg19) VCF-style: chr7-117174407-C-A.
Other names: short protein forms N189K.
Identifiers: ClinVar variation 54002 (VCV000054002.7), dbSNP rs397508755, ClinGen allele CA327570.

ClinVar aggregate classification (germline): Conflicting classifications of pathogenicity. Review status: criteria provided, conflicting classifications (1 of 4 stars). 4 submissions from 4 submitters: Likely pathogenic (1); Uncertain significance (2). 1 of the submissions does not count toward it. Last evaluated 2024-07-03.

Conditions:
Cystic fibrosis (CF). Also called: MUCOVISCIDOSIS. Identifiers: Orphanet 586, MedGen C0010674, MONDO:0009061, OMIM 219700. Disease mechanism: loss of function.

Submissions (4):

Women's Health and Genetics/Laboratory Corporation of America, LabCorp
Classification: Uncertain significance. Last evaluated: 2024-07-03. Review status: criteria provided, single submitter. Criteria: LabCorp Variant Classification Summary - May 2015. Collection method: clinical testing. Allele origin: germline.
Comment: Variant summary: CFTR c.567C>A (p.Asn189Lys) results in a non-conservative amino acid change located in the ABC transporter type 1, transmembrane domain (IPR011527) of the encoded protein sequence. Five of five in-silico tools predict a damaging effect of the variant on protein function. The variant was absent in 250352 control chromosomes. The available data on variant occurrences in the general population are insufficient to allow any conclusion about variant significance. c.567C>A has been reported in the literature as a biallelic compound heterozygous genotype in at-least one Chinese individual affected with Cystic Fibrosis and continues to be cited by others (example, Li_2006 cited in Zheng_2017, Shen_2022, Zacarias_2023). These data do not allow any conclusion about variant significance. To our knowledge, no experimental evidence demonstrating an impact on protein function has been reported. ClinVar contains an entry for this variant (Variation ID: 54002). Based on the evidence outlined above, the variant was classified as uncertain significance.

Institute of Human Genetics, University of Leipzig Medical Center
Classification: Uncertain significance for Cystic fibrosis. Last evaluated: 2022-09-05. Review status: criteria provided, single submitter. Criteria: ACMG Guidelines, 2015. Collection method: curation. Allele origin: unknown. Affected: yes. Observed: 1 variant allele.
Comment: The variant was classified in the context of a project re-classifying variants in the German Cystic Fibrosis Registry (Muko.e.V.). Criteria applied: PM3, PM2_SUP, PP3

Ambry Genetics
Classification: Likely pathogenic for Cystic fibrosis. Last evaluated: 2019-11-19. Review status: criteria provided, single submitter. Criteria: Ambry Variant Classification Scheme 2023. Collection method: clinical testing. Allele origin: germline.
Comment: The p.N189K variant (also known as c.567C>A), located in coding exon 5 of the CFTR gene, results from a C to A substitution at nucleotide position 567. The asparagine at codon 189 is replaced by lysine, an amino acid with similar properties. In a cohort of Chinese individuals with CF, this variant was detected in 4 of 22 individuals (Zheng B et al. Pediatr. Pulmonol., 2017 03;52:E11-E14). This variant was not reported in the gnomAD database, with coverage at this position. This amino acid position is highly conserved in available vertebrate species. In addition, the in silico prediction for this alteration is inconclusive. Based on the majority of available evidence to date, this variant is likely to be pathogenic.

ClinVar Staff, National Center for Biotechnology Information (NCBI)
No classification provided. Condition: CFTR-related disorders. Review status: no classification provided. Collection method: literature only. Allele origin: germline. Affected: yes. Not counted in ClinVar's aggregate classification.

Literature cited by the submitters: PubMed 16454991 (cited by 3 submitters); PubMed 27717243 (cited by Women's Health and Genetics/Laboratory Corporation of America, LabCorp and Ambry Genetics); PubMed 35858753 (cited by Women's Health and Genetics/Laboratory Corporation of America, LabCorp); PubMed 25580864 (cited by Ambry Genetics); PubMed 28608624 (cited by Ambry Genetics).